The following is an entry in ClinVar:

NM_001375405.1(CEP120):c.2103+7A>G

Gene: CEP120 (centrosomal protein 120; minus strand). Cytogenetic location: 5q23.2.
Variant type: single nucleotide variant.
Coding change: c.2103+7A>G on transcript NM_001375405.1 (MANE Select); 7 bases into the intron after coding-DNA position 2103, A replaced by G.
Molecular consequence: intron variant.
Genome position (GRCh38, 1-based): chr5:123,382,104, T>C on the plus strand (A>G on the coding strand, the complement: CEP120 is on the minus strand). VCF-style: chr5-123382104-T-C. GRCh37 (hg19) VCF-style: chr5-122717798-T-C.
Other names: c.2025+7A>G (NM_001166226.2); c.2103+7A>G (NM_153223.4, NM_001375407.1, NM_153223.3); c.1530+7A>G (NM_001375408.1, NM_001375409.1); c.1968+7A>G (NM_001375406.1).
Identifiers: ClinVar variation 1106049 (VCV001106049.12), dbSNP rs764744920, ClinGen allele CA3386762.
Genomic context (GRCh38, chr5:123,382,104, plus strand): 5'-AACGCAAATACAAGATATTATCATTAATATTCTTCCTTCTCTTCCTCACTTTTACACAAG[T>C]TATTACCTTTTTCTTTACTAGTGATTCTCTTTCTCGGTCCCTTTTCTTCCATTCCTCTGC-3'

ClinVar aggregate classification (germline): Likely benign. Review status: criteria provided, multiple submitters, no conflicts (2 of 4 stars). 3 submissions from 3 submitters: Likely benign (2). 1 of the submissions does not count toward it. Last evaluated 2025-10-29.

Conditions:
Short-rib thoracic dysplasia 13 with or without polydactyly (SRTD13). Identifiers: Orphanet 474, MedGen C4225378, MONDO:0014577, OMIM 616300.
CEP120-related disorder. Also called: CEP120-related condition; CEP120-Related Disorders.

Allele frequency attached by ClinVar (database versions not stated): gnomAD exomes 0.00001 and 0.00002; ExAC 0.00002; gnomAD 0.00005; TOPMed 0.00006.
gnomAD v4.1: 23 of 1,567,918 alleles (0.0015%); highest among the groups gnomAD compares: Non-Finnish European, 0.0018%; no homozygotes.

Submissions (3):

Labcorp Genetics (formerly Invitae), Labcorp
Classification: Likely benign for Short-rib thoracic dysplasia 13 with or without polydactyly. Last evaluated: 2025-10-29. Review status: criteria provided, single submitter. Criteria: Invitae Variant Classification Sherloc (09022015). Collection method: clinical testing. Allele origin: germline.

Blueprint Genetics
Classification: Likely benign. Last evaluated: 2024-08-28. Review status: criteria provided, single submitter. Criteria: ACMG Guidelines, 2015. Collection method: clinical testing. Allele origin: germline.

PreventionGenetics, part of Exact Sciences
Classification: Likely benign for CEP120-related condition. Last evaluated: 2023-06-22. Review status: no assertion criteria provided. Collection method: clinical testing. Allele origin: germline. Not counted in ClinVar's aggregate classification.
Comment: This variant is classified as likely benign based on ACMG/AMP sequence variant interpretation guidelines (Richards et al. 2015 PMID: 25741868, with internal and published modifications).